The following is an entry in ClinVar:

NM_002907.4(RECQL):c.310A>G (p.Met104Val)

Gene: RECQL (RecQ like helicase; minus strand). Cytogenetic location: 12p12.1.
Variant type: single nucleotide variant.
Coding change: c.310A>G on transcript NM_002907.4 (MANE Select); coding-DNA position 310, A replaced by G.
Protein change: p.Met104Val; replaces methionine 104 with valine.
Molecular consequence: missense variant.
Genome position (GRCh38, 1-based): chr12:21,490,283, T>C on the plus strand (A>G on the coding strand, the complement: RECQL is on the minus strand). VCF-style: chr12-21490283-T-C. GRCh37 (hg19) VCF-style: chr12-21643217-T-C.
Other names: c.310A>G, p.Met104Val (NM_032941.3); short protein forms M104V.
Identifiers: ClinVar variation 1447410 (VCV001447410.12), dbSNP rs751278312, ClinGen allele CA6479133.

ClinVar aggregate classification (germline): Uncertain significance. Review status: criteria provided, multiple submitters, no conflicts (2 of 4 stars). 3 submissions from 3 submitters: Uncertain significance (3). Last evaluated 2025-10-06.

Allele frequency attached by ClinVar (database versions not stated): gnomAD exomes below 0.00001 and 0.00001; ExAC 0.00001; gnomAD 0.00001; TOPMed 0.00002.

Submissions (3):

Ambry Genetics
Classification: Uncertain significance. Last evaluated: 2025-10-06. Review status: criteria provided, single submitter. Criteria: Ambry Variant Classification Scheme 2023. Collection method: clinical testing. Allele origin: germline.
Comment: The p.M104V variant (also known as c.310A>G), located in coding exon 3 of the RECQL gene, results from an A to G substitution at nucleotide position 310. The methionine at codon 104 is replaced by valine, an amino acid with highly similar properties. This amino acid position is well conserved in available vertebrate species. In addition, this alteration is predicted to be tolerated by in silico analysis. Since supporting evidence is limited at this time, the clinical significance of this alteration remains unclear.

Quest Diagnostics Nichols Institute San Juan Capistrano
Classification: Uncertain significance. Last evaluated: 2024-02-13. Review status: criteria provided, single submitter. Criteria: Quest Diagnostics criteria. Collection method: clinical testing. Allele origin: unknown.
Comment: The RECQL c.310A>G (p.Met104Val) variant has been reported in the published literature in an individual with breast cancer (PMID: 33471991 (2021), see also LOVD). The frequency of this variant in the general population, 0.000008 (2/251302 chromosomes (Genome Aggregation Database)), is uninformative in the assessment of its pathogenicity. Analysis of this variant using bioinformatics tools for the prediction of the effect of amino acid changes on protein structure and function yielded conflicting predictions that this variant is benign or damaging. Based on the available information, we are unable to determine the clinical significance of this variant.

Labcorp Genetics (formerly Invitae), Labcorp
Classification: Uncertain significance. Last evaluated: 2022-05-26. Review status: criteria provided, single submitter. Criteria: Invitae Variant Classification Sherloc (09022015). Collection method: clinical testing. Allele origin: germline.
Comment: In summary, the available evidence is currently insufficient to determine the role of this variant in disease. Therefore, it has been classified as a Variant of Uncertain Significance. Algorithms developed to predict the effect of sequence changes on RNA splicing suggest that this variant may create or strengthen a splice site. This sequence change replaces methionine, which is neutral and non-polar, with valine, which is neutral and non-polar, at codon 104 of the RECQL protein (p.Met104Val). This variant is present in population databases (rs751278312, gnomAD 0.01%). This variant has not been reported in the literature in individuals affected with RECQL-related conditions. Algorithms developed to predict the effect of missense changes on protein structure and function are either unavailable or do not agree on the potential impact of this missense change (SIFT: "Deleterious"; PolyPhen-2: "Possibly Damaging"; Align-GVGD: "Class C0").

Literature cited by the submitters: PubMed 33471991 (cited by Quest Diagnostics Nichols Institute San Juan Capistrano).